The following is an entry in ClinVar:

NM_000091.5(COL4A3):c.2507G>A (p.Gly836Glu)

Genes: COL4A3 (collagen type IV alpha 3 chain; plus strand), MFF-DT (MFF divergent transcript; minus strand). Cytogenetic location: 2q36.3.
Variant type: single nucleotide variant.
Coding change: c.2507G>A on transcript NM_000091.5 (MANE Select); coding-DNA position 2507, G replaced by A.
Protein change: p.Gly836Glu; replaces glycine 836 with glutamic acid.
Molecular consequence: missense variant.
Genome position (GRCh38, 1-based): chr2:227,282,383, G>A. VCF-style: chr2-227282383-G-A. GRCh37 (hg19) VCF-style: chr2-228147099-G-A.
Other names: c.2507G>A (NM_000091.4); short protein forms G836E.
Identifiers: ClinVar variation 1436666 (VCV001436666.37), dbSNP rs2072040353, ClinGen allele CA350850160.
Genomic context (GRCh38, chr2:227,282,383, plus strand): 5'-GCATTTGTGGGTTAATTAATTCATTCATTTATTCGTACACAGGCAGAAGAGGTAAAACGG[G>A]GCCAAAGGGAGACCCAGGAATTCCAGGCTTGGATAGATCAGGATTTCCTGGAGAAACTGG-3'
Protein context (NP_000082.2, residues 826-846): KGQQGRRGKT[Gly836Glu]PKGDPGIPGL

ClinVar aggregate classification (germline): Conflicting classifications of pathogenicity. Review status: criteria provided, conflicting classifications (1 of 4 stars). 6 submissions from 6 submitters: Pathogenic (1); Likely pathogenic (3); Uncertain significance (2). Last evaluated 2025-09-22.

Conditions:
Alport syndrome. Also called: Hemorrhagic familial nephritis; Hemorrhagic hereditary nephritis; Congenital hereditary hematuria. Identifiers: Orphanet 63, MedGen C1567741, MONDO:0018965.
Autosomal dominant Alport syndrome (ATS3A). Also called: Alport syndrome dominant type; Renal failure and sensorineural hearing loss; ALPORT SYNDROME 3A, AUTOSOMAL DOMINANT. Identifiers: Orphanet 63, Orphanet 88918, MedGen C5882663, MONDO:0007086, OMIM 104200.
Alport syndrome 3b, autosomal recessive. Identifiers: MedGen C5882699, MONDO:0957811, OMIM 620536.
Hematuria, benign familial, 2 (BFH2). Identifiers: MedGen C5830421, MONDO:0958186, OMIM 620320.

gnomAD v4.1: 2 of 1,612,410 alleles (0.00012%); highest among the groups gnomAD compares: Non-Finnish European, 0.00017%; no homozygotes.

Submissions (6):

Women's Health and Genetics/Laboratory Corporation of America, LabCorp
Classification: Uncertain significance. Last evaluated: 2025-09-22. Review status: criteria provided, single submitter. Criteria: LabCorp Variant Classification Summary - May 2015. Collection method: clinical testing. Allele origin: germline.
Comment: Variant summary: COL4A3 c.2507G>A (p.Gly836Glu) results in a non-conservative amino acid change in the encoded protein sequence. Algorithms developed to predict the effect of missense changes on protein structure and function all suggest that this variant is likely to be disruptive. The variant was absent in 249516 control chromosomes. c.2507G>A has been observed in at least two individuals affected with autosomal recessive Alport Syndrome (Zhang_2011, Zhang_2012). These data indicate that the variant may be associated with disease. To our knowledge, no experimental evidence demonstrating an impact on protein function has been reported. The following publications have been ascertained in the context of this evaluation (PMID: 22887978, 21143337, 33772369). ClinVar contains an entry for this variant (Variation ID: 1436666). Based on the evidence outlined above, the variant was classified as VUS-possibly pathogenic.

Natera, Inc.
Classification: Likely pathogenic for Alport syndrome. Last evaluated: 2025-07-23. Review status: criteria provided, single submitter. Criteria: Natera Variant Classification Schema (03/2026). Collection method: clinical testing. Allele origin: germline.
Comment: The c.2507G>A variant in COL4A3 is a missense variant predicted to cause substitution of glycine to glutamic acid at amino acid 836. This variant is rare in the general population with a frequency below the threshold expected for the associated phenotype(s). This variant has been observed in one or more individuals affected with the associated recessive disease, as either homozygous or compound heterozygous with a second variant (PMID: 22887978, 21143337). This variant is located in a functionally critical region of the protein. Computational prediction algorithms indicate this variant is likely to affect gene or protein function. Given the available evidence, this variant is classified as Likely Pathogenic.

Fulgent Genetics
Classification: Likely pathogenic for Autosomal dominant Alport syndrome; Hematuria, benign familial, 2; Alport syndrome 3b, autosomal recessive. Last evaluated: 2024-03-06. Review status: criteria provided, single submitter. Criteria: ACMG Guidelines, 2015. Collection method: clinical testing. Allele origin: germline.

GeneDx
Classification: Likely pathogenic. Last evaluated: 2023-01-10. Review status: criteria provided, single submitter. Criteria: GeneDx Variant Classification Process June 2021. Collection method: clinical testing. Allele origin: germline. Affected: yes.
Comment: Reported with a second COL4A3 variant, phase unknown, in unrelated patients with Alport syndrome (Zhang et al., 2011; Zhang et al., 2012); Affects a glycine residue in a Gly-X-Y motif in the triple helical region of the COL4A3 gene, where the majority of pathogenic missense variants occur, and is predicted to disrupt normal protein folding and function (HGMD; Jais et al., 2000); In silico analysis supports that this missense variant has a deleterious effect on protein structure/function; Not observed at significant frequency in large population cohorts (gnomAD); This variant is associated with the following publications: (PMID: 10752524, 22887978, 33772369, 24077912, 21143337)

CeGaT Center for Human Genetics Tuebingen
Classification: Pathogenic. Last evaluated: 2022-03-01. Review status: criteria provided, single submitter. Criteria: CeGaT Center For Human Genetics Tuebingen Variant Classification Criteria Version 2. Collection method: clinical testing. Allele origin: germline. Affected: yes. Observed: 1 variant allele.
Comment: COL4A3: PM1:Strong, PM2, PM3, PP4:Moderate

Labcorp Genetics (formerly Invitae), Labcorp
Classification: Uncertain significance. Last evaluated: 2021-08-30. Review status: criteria provided, single submitter. Criteria: Invitae Variant Classification Sherloc (09022015). Collection method: clinical testing. Allele origin: germline.
Comment: This sequence change replaces glycine with glutamic acid at codon 836 of the COL4A3 protein (p.Gly836Glu). The glycine residue is highly conserved and there is a moderate physicochemical difference between glycine and glutamic acid. This variant is not present in population databases (ExAC no frequency). This missense change has been observed in individual(s) with Alport syndrome (PMID: 22887978). Experimental studies and prediction algorithms are not available or were not evaluated, and the functional significance of this variant is currently unknown. In summary, the available evidence is currently insufficient to determine the role of this variant in disease. Therefore, it has been classified as a Variant of Uncertain Significance.

Literature cited by the submitters: PubMed 22887978 (cited by 3 submitters); PubMed 33772369 (cited by Women's Health and Genetics/Laboratory Corporation of America, LabCorp); PubMed 21143337 (cited by Women's Health and Genetics/Laboratory Corporation of America, LabCorp and Natera, Inc.).